The following is an entry in ClinVar:

ClinVar aggregate classification (germline): Uncertain significance (1 of 4 stars; one submission).

Conditions:
Cardiomyopathy (CMYO). Also called: Cardiomyopathies. Identifiers: Orphanet 167848, MedGen C0878544, MONDO:0004994, HP:0001638. Inheritance: Various modes of inheritance.

gnomAD v4.1: 10 of 1,566,268 alleles (0.00064%); highest among the groups gnomAD compares: Non-Finnish European, 0.00087%; no homozygotes.

Submission:

Color Diagnostics, LLC DBA Color Health
Classification: Uncertain significance for Cardiomyopathy. Last evaluated: 2024-03-07. Review status: criteria provided, single submitter. Criteria: ACMG Guidelines, 2015. Collection method: clinical testing. Allele origin: germline.
Comment: This missense variant replaces glutamine with glutamic acid at codon 965 of the MYBPC3 protein. Computational prediction suggests that this variant may not impact protein structure and function (internally defined REVEL score threshold <= 0.5, PMID: 27666373). To our knowledge, functional studies have not been reported for this variant. This variant has not been reported in individuals affected with cardiovascular disorders in the literature. This variant has not been identified in the general population by the Genome Aggregation Database (gnomAD). The available evidence is insufficient to determine the role of this variant in disease conclusively. Therefore, this variant is classified as a Variant of Uncertain Significance.

NM_000256.3(MYBPC3):c.2893C>G (p.Gln965Glu)

Gene: MYBPC3 (myosin binding protein C3; minus strand). Cytogenetic location: 11p11.2.
Variant type: single nucleotide variant.
Coding change: c.2893C>G on transcript NM_000256.3 (MANE Select); coding-DNA position 2893, C replaced by G.
Protein change: p.Gln965Glu; replaces glutamine 965 with glutamic acid.
Molecular consequence: missense variant.
Genome position (GRCh38, 1-based): chr11:47,335,054, G>C on the plus strand (C>G on the coding strand, the complement: MYBPC3 is on the minus strand). VCF-style: chr11-47335054-G-C. GRCh37 (hg19) VCF-style: chr11-47356605-G-C.
Other names: short protein forms Q965E.
Identifiers: ClinVar variation 1172218 (VCV001172218.3), dbSNP rs730880578, ClinGen allele CA380316213.